The following is an entry in ClinVar:

NM_000090.4(COL3A1):c.898-1G>A

Gene: COL3A1 (collagen type III alpha 1 chain; plus strand). Cytogenetic location: 2q32.2.
Variant type: single nucleotide variant.
Coding change: c.898-1G>A on transcript NM_000090.4 (MANE Select); the canonical splice acceptor site of the intron before coding-DNA position 898, G replaced by A.
Molecular consequence: splice acceptor variant.
Genome position (GRCh38, 1-based): chr2:188,991,668, G>A. VCF-style: chr2-188991668-G-A. GRCh37 (hg19) VCF-style: chr2-189856394-G-A.
Identifiers: ClinVar variation 2572650 (VCV002572650.1), dbSNP rs587779556, ClinGen allele CA349849968.

ClinVar aggregate classification (germline): Likely pathogenic (1 of 4 stars; one submission).

Conditions:
Hereditary spastic paraplegia 4. Also called: Spastic Paraplegia 4; Familial spastic paraplegia autosomal dominant 2; Spastic paraplegia 4, autosomal dominant. Identifiers: Orphanet 100985, MedGen C1866855, MONDO:0008438, OMIM 182601.

Submission:

Laboratory of Medical Genetics, National & Kapodistrian University of Athens
Classification: Likely pathogenic for Hereditary spastic paraplegia 4. Last evaluated: 2023-03-28. Review status: criteria provided, single submitter. Criteria: ACMG Guidelines, 2015. Collection method: clinical testing. Allele origin: germline. Affected: yes.
Comment: PVS1, PM2